The following is an entry in ClinVar:

NM_000329.3(RPE65):c.793C>T (p.Leu265Phe)

Gene: RPE65 (retinoid isomerohydrolase RPE65; minus strand). Cytogenetic location: 1p31.3.
Variant type: single nucleotide variant.
Coding change: c.793C>T on transcript NM_000329.3 (MANE Select); coding-DNA position 793, C replaced by T.
Protein change: p.Leu265Phe; replaces leucine 265 with phenylalanine.
Molecular consequence: missense variant.
Genome position (GRCh38, 1-based): chr1:68,439,256, G>A on the plus strand (C>T on the coding strand, the complement: RPE65 is on the minus strand). VCF-style: chr1-68439256-G-A. GRCh37 (hg19) VCF-style: chr1-68904939-G-A.
Other names: short protein forms L265F.
Identifiers: ClinVar variation 498461 (VCV000498461.6), dbSNP rs1457086571, ClinGen allele CA340745737.

ClinVar aggregate classification (germline): Uncertain significance. Review status: criteria provided, multiple submitters, no conflicts (2 of 4 stars). 2 submissions from 2 submitters: Uncertain significance (2). Last evaluated 2025-05-11.

Conditions:
Retinitis pigmentosa 20 (RP20). Identifiers: Orphanet 791, MedGen C3151086, MONDO:0013425, OMIM 613794.
Leber congenital amaurosis 2 (LCA2). Also called: Autosomal Recessive RPE65-Related Retinal Degeneration; AMAUROSIS CONGENITA OF LEBER II. Identifiers: Orphanet 65, MedGen C1859844, MONDO:0008765, OMIM 204100. Disease mechanism: loss of function.

Allele frequency attached by ClinVar (database versions not stated): gnomAD exomes below 0.00001.
gnomAD v4.1: 2 of 1,614,024 alleles (0.00012%); highest among the groups gnomAD compares: Admixed American, 0.0017%; no homozygotes.

Submissions (2):

Labcorp Genetics (formerly Invitae), Labcorp
Classification: Uncertain significance for Leber congenital amaurosis 2; Retinitis pigmentosa 20. Last evaluated: 2025-05-11. Review status: criteria provided, single submitter. Criteria: Invitae Variant Classification Sherloc (09022015). Collection method: clinical testing. Allele origin: germline.
Comment: This sequence change replaces leucine, which is neutral and non-polar, with phenylalanine, which is neutral and non-polar, at codon 265 of the RPE65 protein (p.Leu265Phe). This variant is present in population databases (no rsID available, gnomAD 0.003%). This variant has not been reported in the literature in individuals affected with RPE65-related conditions. ClinVar contains an entry for this variant (Variation ID: 498461). Invitae Evidence Modeling of protein sequence and biophysical properties (such as structural, functional, and spatial information, amino acid conservation, physicochemical variation, residue mobility, and thermodynamic stability) indicates that this missense variant is not expected to disrupt RPE65 protein function with a negative predictive value of 80%. In summary, the available evidence is currently insufficient to determine the role of this variant in disease. Therefore, it has been classified as a Variant of Uncertain Significance.

Eurofins Ntd Llc (ga)
Classification: Uncertain significance. Last evaluated: 2016-12-02. Review status: criteria provided, single submitter. Criteria: EGL Classification Definitions 2015. Collection method: clinical testing. Allele origin: germline. Observed: 1 variant allele, 1 heterozygote.